The following is an entry in ClinVar:

ClinVar aggregate classification (germline): Likely benign. Review status: criteria provided, single submitter (1 of 4 stars). 3 submissions from 3 submitters: Likely benign (1). 2 of the submissions do not count toward it. Last evaluated 2023-03-23.

Conditions:
Hereditary cancer-predisposing syndrome. Also called: Tumor predisposition; Hereditary neoplastic syndrome; Hereditary Cancer Syndrome; Neoplastic Syndromes, Hereditary. Identifiers: Orphanet 140162, MedGen C0027672, MeSH D009386, MONDO:0015356.

Submissions (3):

University of Washington Department of Laboratory Medicine, University of Washington
Classification: Likely benign for Hereditary cancer-predisposing syndrome. Last evaluated: 2023-03-23. Review status: criteria provided, single submitter. Criteria: Dines et al. (Genet Med. 2020). Collection method: curation. Allele origin: germline.
Comment: Missense variant in a coldspot region where missense variants are very unlikely to be pathogenic (PMID:31911673).

BRCA1 coldspot (exon 11 using historical exon numbering). Reclassification based on statistical prior probability

Diagnostic Laboratory, Department of Genetics, University Medical Center Groningen
Classification: Uncertain significance. Review status: no assertion criteria provided. Collection method: clinical testing. Allele origin: germline. Affected: yes. Study: VKGL Data-share Consensus. Not counted in ClinVar's aggregate classification.

Genome Diagnostics Laboratory, University Medical Center Utrecht
Classification: Uncertain significance. Review status: no assertion criteria provided. Collection method: clinical testing. Allele origin: germline. Affected: yes. Study: VKGL Data-share Consensus. Not counted in ClinVar's aggregate classification.

NM_007294.4(BRCA1):c.3467A>C (p.Asp1156Ala)

Genes: BRCA1 (BRCA1 DNA repair associated; minus strand), LOC126862571 (BRD4-independent group 4 enhancer GRCh37_chr17:41243136-41244335; plus strand). Cytogenetic location: 17q21.31.
Variant type: single nucleotide variant.
Coding change: c.3467A>C on transcript NM_007294.4 (MANE Select); coding-DNA position 3467, A replaced by C.
Protein change: p.Asp1156Ala; replaces aspartic acid 1156 with alanine.
Molecular consequence: missense variant. On other transcripts: intron variant (135).
Genome position (GRCh38, 1-based): chr17:43,092,064, T>G on the plus strand (A>C on the coding strand, the complement: BRCA1 is on the minus strand). VCF-style: chr17-43092064-T-G. GRCh37 (hg19) VCF-style: chr17-41244081-T-G.
Other names: c.3257A>C, p.Asp1086Ala (NM_001407885.1, NM_001407886.1, NM_001407887.1 and 13 more transcripts); c.3254A>C, p.Asp1085Ala (NM_001407895.1, NM_001407894.1, NM_001407896.1 and 9 more transcripts); c.3467A>C, p.Asp1156Ala (NM_001407858.1, NM_001407859.1, NM_007300.4 and 30 more transcripts); c.3464A>C, p.Asp1155Ala (NM_001407860.1, NM_001407861.1, NM_001407587.1 and 22 more transcripts); c.3266A>C, p.Asp1089Ala (NM_001407862.1); c.3344A>C, p.Asp1115Ala (NM_001407863.1, NM_001407919.1, NM_001407937.1 and 19 more transcripts); c.3263A>C, p.Asp1088Ala (NM_001407874.1, NM_001407875.1); c.3203A>C, p.Asp1068Ala (NM_001407920.1, NM_001407921.1, NM_001407922.1 and 9 more transcripts); and 41 more; short protein forms D1109A, D1156A, D1045A, D1068A, D1086A, D1114A, D288A, D1028A.
Identifiers: ClinVar variation 1174984 (VCV001174984.7), dbSNP rs2154312065, ClinGen allele CA10595048.